The following is an entry in ClinVar:

ClinVar aggregate classification (germline): Uncertain significance (1 of 4 stars; one submission).

gnomAD v4.1: 7 of 1,607,770 alleles (0.00044%); highest among the groups gnomAD compares: Admixed American, 0.01%; no homozygotes.

Submission:

Labcorp Genetics (formerly Invitae), Labcorp
Classification: Uncertain significance. Last evaluated: 2024-08-14. Review status: criteria provided, single submitter. Criteria: Invitae Variant Classification Sherloc (09022015). Collection method: clinical testing. Allele origin: germline.
Comment: This sequence change replaces lysine, which is basic and polar, with asparagine, which is neutral and polar, at codon 885 of the CCDC141 protein (p.Lys885Asn). This variant is present in population databases (rs756832943, gnomAD 0.02%). This variant has not been reported in the literature in individuals affected with CCDC141-related conditions. An algorithm developed to predict the effect of missense changes on protein structure and function outputs the following: PolyPhen-2: "Benign". The asparagine amino acid residue is found in multiple mammalian species, which suggests that this missense change does not adversely affect protein function. In summary, the available evidence is currently insufficient to determine the role of this variant in disease. Therefore, it has been classified as a Variant of Uncertain Significance.

NM_173648.4(CCDC141):c.2655A>T (p.Lys885Asn)

Gene: CCDC141 (coiled-coil domain containing 141; minus strand). Cytogenetic location: 2q31.2.
Variant type: single nucleotide variant.
Coding change: c.2655A>T on transcript NM_173648.4 (MANE Select); coding-DNA position 2655, A replaced by T.
Protein change: p.Lys885Asn; replaces lysine 885 with asparagine.
Molecular consequence: missense variant.
Genome position (GRCh38, 1-based): chr2:178,865,836, T>A on the plus strand (A>T on the coding strand, the complement: CCDC141 is on the minus strand). VCF-style: chr2-178865836-T-A. GRCh37 (hg19) VCF-style: chr2-179730563-T-A.
Other names: short protein forms K885N.
Identifiers: ClinVar variation 3648209 (VCV003648209.2).
Genomic context (GRCh38, chr2:178,865,836, plus strand): 5'-CTCGTCTCTCATGGCGCAGTACTCCACACTACGGGACAGGGTCCGTCCATACTCCTCAGC[T>A]TTGGCACGCCACTTCATGCTGTCCTCCTCAAGGAGCTCCAGCTGCTGCTGTAGGTTCTTT-3'
Protein context (NP_775919.3, residues 875-895): LEEDSMKWRA[Lys885Asn]AEEYGRTLSR